The following is an entry in ClinVar:

ClinVar aggregate classification (germline): Uncertain significance. Review status: criteria provided, multiple submitters, no conflicts (2 of 4 stars). 2 submissions from 2 submitters: Uncertain significance (2). Last evaluated 2022-08-07.

Conditions:
Mitochondrial DNA depletion syndrome 3 (hepatocerebral type). Also called: MITOCHONDRIAL DNA DEPLETION SYNDROME 3; Mitochondrial DNA depletion syndrome, hepatocerebral form due to DGUOK deficiency; Deoxyguanosine Kinase Deficiency. Identifiers: Orphanet 279934, MedGen CN074093, MONDO:0009636, OMIM 251880.

Allele frequency attached by ClinVar (database versions not stated): gnomAD 0.00001; gnomAD exomes 0.00002; TOPMed 0.00002; ExAC 0.00003; ESP Exome Variant Server 0.00015.
gnomAD v4.1: 95 of 1,613,960 alleles (0.0059%); highest among the groups gnomAD compares: Non-Finnish European, 0.0077%; no homozygotes.

Submissions (2):

Labcorp Genetics (formerly Invitae), Labcorp
Classification: Uncertain significance. Last evaluated: 2022-08-07. Review status: criteria provided, single submitter. Criteria: Invitae Variant Classification Sherloc (09022015). Collection method: clinical testing. Allele origin: germline.
Comment: This sequence change replaces alanine, which is neutral and non-polar, with threonine, which is neutral and polar, at codon 89 of the DGUOK protein (p.Ala89Thr). This variant is present in population databases (rs138683121, gnomAD 0.005%). This variant has not been reported in the literature in individuals affected with DGUOK-related conditions. ClinVar contains an entry for this variant (Variation ID: 895311). Algorithms developed to predict the effect of missense changes on protein structure and function output the following: SIFT: "Tolerated"; PolyPhen-2: "Benign"; Align-GVGD: "Class C0". The threonine amino acid residue is found in multiple mammalian species, which suggests that this missense change does not adversely affect protein function. In summary, the available evidence is currently insufficient to determine the role of this variant in disease. Therefore, it has been classified as a Variant of Uncertain Significance.

Illumina Laboratory Services, Illumina
Classification: Uncertain significance for Mitochondrial DNA depletion syndrome 3 (hepatocerebral type). Last evaluated: 2018-01-13. Review status: criteria provided, single submitter. Criteria: ICSL Variant Classification Criteria 13 December 2019. Collection method: clinical testing. Allele origin: germline.

NM_080916.3(DGUOK):c.265G>A (p.Ala89Thr)

Gene: DGUOK (deoxyguanosine kinase; plus strand). Cytogenetic location: 2p13.1.
Variant type: single nucleotide variant.
Coding change: c.265G>A on transcript NM_080916.3 (MANE Select); coding-DNA position 265, G replaced by A.
Protein change: p.Ala89Thr; replaces alanine 89 with threonine.
Molecular consequence: missense variant. On other transcripts: 5 prime UTR variant (4), non-coding transcript variant (5).
Genome position (GRCh38, 1-based): chr2:73,946,728, G>A. VCF-style: chr2-73946728-G-A. GRCh37 (hg19) VCF-style: chr2-74173855-G-A.
Other names: c.265G>A, p.Ala89Thr (NM_001318859.2, NM_080918.3); c.-27G>A (NM_001318860.2, NM_001318861.2, NM_001318862.2 and 1 more transcripts); short protein forms A89T.
Identifiers: ClinVar variation 895311 (VCV000895311.5), dbSNP rs138683121, ClinGen allele CA1718219.